The following is an entry in ClinVar:

NM_173660.5(DOK7):c.1247G>T (p.Arg416Ile)

Gene: DOK7 (docking protein 7; plus strand). Cytogenetic location: 4p16.3.
Variant type: single nucleotide variant.
Coding change: c.1247G>T on transcript NM_173660.5 (MANE Select); coding-DNA position 1247, G replaced by T.
Protein change: p.Arg416Ile; replaces arginine 416 with isoleucine.
Molecular consequence: missense variant. On other transcripts: 3 prime UTR variant (1).
Genome position (GRCh38, 1-based): chr4:3,493,233, G>T. VCF-style: chr4-3493233-G-T. GRCh37 (hg19) VCF-style: chr4-3494960-G-T.
Other names: c.*468G>T (NM_001164673.2); c.317G>T, p.Arg106Ile (NM_001256896.2); c.1247G>T, p.Arg416Ile (NM_001301071.2); c.815G>T, p.Arg272Ile (NM_001363811.2); short protein forms R106I, R272I, R416I.
Identifiers: ClinVar variation 1396565 (VCV001396565.5), dbSNP rs1392647950, ClinGen allele CA356117624.

ClinVar aggregate classification (germline): Uncertain significance (1 of 4 stars; one submission).

Conditions:
Fetal akinesia deformation sequence 1 (FADS1). Also called: Pena-Shokeir syndrome type I; Fetal akinesia sequence. Identifiers: Orphanet 994, MedGen C1276035, MONDO:0100101, OMIM 208150, HP:0001989.
Congenital myasthenic syndrome 10. Also called: Myasthenia, limb-girdle, familial. Identifiers: Orphanet 590, MedGen C1850792, MONDO:0009690, OMIM 254300.

Allele frequency attached by ClinVar (database versions not stated): gnomAD 0.00001; TOPMed 0.00001.
gnomAD v4.1: 23 of 1,611,962 alleles (0.0014%); highest among the groups gnomAD compares: Non-Finnish European, 0.0019%; no homozygotes.

Submission:

Labcorp Genetics (formerly Invitae), Labcorp
Classification: Uncertain significance for Congenital myasthenic syndrome 10; Fetal akinesia deformation sequence 1. Last evaluated: 2022-11-01. Review status: criteria provided, single submitter. Criteria: Invitae Variant Classification Sherloc (09022015). Collection method: clinical testing. Allele origin: germline.
Comment: This sequence change replaces arginine, which is basic and polar, with isoleucine, which is neutral and non-polar, at codon 416 of the DOK7 protein (p.Arg416Ile). The frequency data for this variant in the population databases is considered unreliable, as metrics indicate poor data quality at this position in the gnomAD database. This variant has not been reported in the literature in individuals affected with DOK7-related conditions. ClinVar contains an entry for this variant (Variation ID: 1396565). Advanced modeling of protein sequence and biophysical properties (such as structural, functional, and spatial information, amino acid conservation, physicochemical variation, residue mobility, and thermodynamic stability) performed at Invitae indicates that this missense variant is not expected to disrupt DOK7 protein function. In summary, the available evidence is currently insufficient to determine the role of this variant in disease. Therefore, it has been classified as a Variant of Uncertain Significance.